The following is an entry in ClinVar:

ClinVar aggregate classification (germline): Likely benign (1 of 4 stars; one submission).

gnomAD v4.1: 16 of 1,568,270 alleles (0.001%); highest among the groups gnomAD compares: Non-Finnish European, 0.0012%; no homozygotes.

Submission:

CeGaT Center for Human Genetics Tuebingen
Classification: Likely benign. Last evaluated: 2025-06-01. Review status: criteria provided, single submitter. Criteria: CeGaT Center For Human Genetics Tuebingen Variant Classification Criteria Version 2. Collection method: clinical testing. Allele origin: germline. Affected: yes. Observed: 1 variant allele.
Comment: RREB1: BP4, BP7

NM_001003699.4(RREB1):c.4302C>T (p.Gly1434=)

Gene: RREB1 (ras responsive element binding protein 1; plus strand). Cytogenetic location: 6p24.3.
Variant type: single nucleotide variant.
Coding change: c.4302C>T on transcript NM_001003699.4 (MANE Select); coding-DNA position 4302, C replaced by T.
Protein change: p.Gly1434=; no amino-acid change (glycine 1434 retained).
Molecular consequence: synonymous variant. On other transcripts: intron variant (1).
Genome position (GRCh38, 1-based): chr6:7,246,752, C>T. VCF-style: chr6-7246752-C-T. GRCh37 (hg19) VCF-style: chr6-7246985-C-T.
Other names: c.4137C>T, p.Gly1379= (NM_001003698.4, NM_001168344.2); c.3974-1759C>T (NM_001003700.2).
Identifiers: ClinVar variation 4085127 (VCV004085127.8).
Genomic context (GRCh38, chr6:7,246,752, plus strand): 5'-GAGCCTGGACCTGGACTTCGCCACCAAGCTCATGGACTTCAAGCTGGCGGAGGGCGACGG[C>T]GAGGCAGGCGCCGGGGGCGCGGCCTCGCAGGAGCAGAAGCTCGCCTGCGACACCTGTGGG-3'
Protein context (NP_001003699.1, residues 1424-1444): LMDFKLAEGD[Gly1434=]EAGAGGAASQ